The following is an entry in ClinVar:

ClinVar aggregate classification (germline): Uncertain significance. Review status: criteria provided, multiple submitters, no conflicts (2 of 4 stars). 3 submissions from 3 submitters: Uncertain significance (3). Last evaluated 2025-12-13.

Conditions:
Inborn genetic diseases. Identifiers: MedGen C0950123, MeSH D030342.

Allele frequency attached by ClinVar (database versions not stated): gnomAD exomes 0.00002.
gnomAD v4.1: 32 of 1,411,078 alleles (0.0023%); highest among the groups gnomAD compares: African/African-American, 0.0031%; no homozygotes.

Submissions (3):

Labcorp Genetics (formerly Invitae), Labcorp
Classification: Uncertain significance. Last evaluated: 2025-12-13. Review status: criteria provided, single submitter. Criteria: Invitae Variant Classification Sherloc (09022015). Collection method: clinical testing. Allele origin: germline.
Comment: This sequence change replaces isoleucine, which is neutral and non-polar, with methionine, which is neutral and non-polar, at codon 178 of the NEFH protein (p.Ile178Met). This variant is present in population databases (no rsID available, gnomAD 0.007%). This variant has not been reported in the literature in individuals affected with NEFH-related conditions. ClinVar contains an entry for this variant (Variation ID: 1486630). Invitae Evidence Modeling of protein sequence and biophysical properties (such as structural, functional, and spatial information, amino acid conservation, physicochemical variation, residue mobility, and thermodynamic stability) indicates that this missense variant is not expected to disrupt NEFH protein function with a negative predictive value of 95%. In summary, the available evidence is currently insufficient to determine the role of this variant in disease. Therefore, it has been classified as a Variant of Uncertain Significance.

Blueprint Genetics
Classification: Uncertain significance. Last evaluated: 2024-05-27. Review status: criteria provided, single submitter. Criteria: ACMG Guidelines, 2015. Collection method: clinical testing. Allele origin: germline.

Ambry Genetics
Classification: Uncertain significance for Inborn genetic diseases. Last evaluated: 2023-01-06. Review status: criteria provided, single submitter. Criteria: Ambry Variant Classification Scheme 2023. Collection method: clinical testing. Allele origin: germline.

NM_021076.4(NEFH):c.534C>G (p.Ile178Met)

Gene: NEFH (neurofilament heavy chain; plus strand). Cytogenetic location: 22q12.2.
Variant type: single nucleotide variant.
Coding change: c.534C>G on transcript NM_021076.4 (MANE Select); coding-DNA position 534, C replaced by G.
Protein change: p.Ile178Met; replaces isoleucine 178 with methionine.
Molecular consequence: missense variant.
Genome position (GRCh38, 1-based): chr22:29,480,796, C>G. VCF-style: chr22-29480796-C-G. GRCh37 (hg19) VCF-style: chr22-29876785-C-G.
Other names: c.534C>G (NM_021076.3); short protein forms I178M.
Identifiers: ClinVar variation 1486630 (VCV001486630.9), dbSNP rs1428597117, ClinGen allele CA411123060.